The following is an entry in ClinVar:

NM_148959.4(HUS1B):c.219A>G (p.Glu73=)

Genes: EXOC2 (exocyst complex component 2; minus strand), HUS1B (HUS1 checkpoint clamp component B; minus strand). Cytogenetic location: 6p25.3.
Variant type: single nucleotide variant.
Coding change: c.219A>G on transcript NM_148959.4 (MANE Select); coding-DNA position 219, A replaced by G.
Protein change: p.Glu73=; no amino-acid change (glutamic acid 73 retained).
Molecular consequence: synonymous variant. On other transcripts: intron variant (1).
Genome position (GRCh38, 1-based): chr6:656,726, T>C on the plus strand (A>G on the coding strand, the complement: HUS1B is on the minus strand). VCF-style: chr6-656726-T-C. GRCh37 (hg19) VCF-style: chr6-656726-T-C.
Other names: c.-43-18865A>G (NM_018303.6).
Identifiers: ClinVar variation 3770676 (VCV003770676.13).

ClinVar aggregate classification (germline): Likely benign (1 of 4 stars; one submission).

gnomAD v4.1: 229 of 1,596,346 alleles (0.014%); highest among the groups gnomAD compares: Non-Finnish European, 0.019%; no homozygotes.

Submission:

CeGaT Center for Human Genetics Tuebingen
Classification: Likely benign. Last evaluated: 2024-12-01. Review status: criteria provided, single submitter. Criteria: CeGaT Center For Human Genetics Tuebingen Variant Classification Criteria Version 2. Collection method: clinical testing. Allele origin: germline. Affected: yes. Observed: 1 variant allele.
Comment: HUS1B: BP4, BP7